The following is an entry in ClinVar:

NM_001358530.2(MOCS1):c.1501_1504del (p.Asp501fs)

Gene: MOCS1 (molybdenum cofactor synthesis 1; minus strand). Cytogenetic location: 6p21.2.
Variant type: Deletion.
Coding change: c.1501_1504del on transcript NM_001358530.2 (MANE Select); coding-DNA positions 1501 to 1504, 4 bases deleted (GACA; older notation c.1501_1504delGACA).
Protein change: p.Asp501fs; shifts the reading frame from aspartic acid 501.
Molecular consequence: frameshift variant. On other transcripts: 3 prime UTR variant (4), non-coding transcript variant (1).
Genome position (GRCh38, 1-based): chr6:39,906,764-39,906,767, TGTC deleted on the plus strand (GACA on the coding strand, the reverse complement: MOCS1 is on the minus strand); deleting any 4 consecutive bases within chr6:39,906,764-39,906,769 gives the same sequence; the c. name uses the placement nearest the transcript's 3' end. VCF-style (leftmost placement, unchanged base first): chr6-39906763-GTGTC-G. GRCh37 (hg19) VCF-style: chr6-39874539-GTGTC-G.
Other names: c.*358_*361del (NM_001075098.4, NM_001358533.2, NM_001358534.2 and 1 more transcripts); c.1453_1456del, p.Asp485fs (NM_001358529.2); c.1240_1243del, p.Asp414fs (NM_001358531.2); short protein forms D485fs, D501fs, D414fs.
Identifiers: ClinVar variation 2798857 (VCV002798857.3), dbSNP rs2482255741, ClinGen allele CA2557905253.

ClinVar aggregate classification (germline): Pathogenic (1 of 4 stars; one submission).

Conditions:
Sulfite oxidase deficiency due to molybdenum cofactor deficiency type A. Also called: Molybdenum cofactor deficiency, complementation group A; Molybdenum Cofactor Deficiency A. Identifiers: Orphanet 308386, Orphanet 833, MedGen C1854988, MONDO:0009643, OMIM 252150.

Submission:

Labcorp Genetics (formerly Invitae), Labcorp
Classification: Pathogenic for Sulfite oxidase deficiency due to molybdenum cofactor deficiency type A. Last evaluated: 2023-11-14. Review status: criteria provided, single submitter. Criteria: Invitae Variant Classification Sherloc (09022015). Collection method: clinical testing. Allele origin: germline.
Comment: This sequence change creates a premature translational stop signal (p.Asp501Glnfs*16) in the MOCS1 gene. While this is not anticipated to result in nonsense mediated decay, it is expected to disrupt the last 136 amino acid(s) of the MOCS1 protein. This variant is not present in population databases (gnomAD no frequency). This variant has not been reported in the literature in individuals affected with MOCS1-related conditions. This variant disrupts a region of the MOCS1 protein in which other variant(s) (p.Glu503Alafs*103) have been determined to be pathogenic (PMID: 9731530, 9921896). This suggests that this is a clinically significant region of the protein, and that variants that disrupt it are likely to be disease-causing. For these reasons, this variant has been classified as Pathogenic.

Literature cited by the submitters: PubMed 9731530; PubMed 9921896.